The following is an entry in ClinVar:

ClinVar aggregate classification (germline): Uncertain significance (1 of 4 stars; one submission).

gnomAD v4.1: 3 of 1,614,220 alleles (0.00019%); highest among the groups gnomAD compares: Middle Eastern, 0.033%; no homozygotes.

Submission:

Labcorp Genetics (formerly Invitae), Labcorp
Classification: Uncertain significance. Last evaluated: 2024-07-16. Review status: criteria provided, single submitter. Criteria: Invitae Variant Classification Sherloc (09022015). Collection method: clinical testing. Allele origin: germline.
Comment: This sequence change replaces asparagine, which is neutral and polar, with aspartic acid, which is acidic and polar, at codon 1029 of the CFH protein (p.Asn1029Asp). This variant is not present in population databases (gnomAD no frequency). This variant has not been reported in the literature in individuals affected with CFH-related conditions. An algorithm developed to predict the effect of missense changes on protein structure and function (PolyPhen-2) suggests that this variant is likely to be tolerated. In summary, the available evidence is currently insufficient to determine the role of this variant in disease. Therefore, it has been classified as a Variant of Uncertain Significance.

NM_000186.4(CFH):c.3085A>G (p.Asn1029Asp)

Gene: CFH (complement factor H; plus strand). Cytogenetic location: 1q31.3.
Variant type: single nucleotide variant.
Coding change: c.3085A>G on transcript NM_000186.4 (MANE Select); coding-DNA position 3085, A replaced by G.
Protein change: p.Asn1029Asp; replaces asparagine 1029 with aspartic acid.
Molecular consequence: missense variant.
Genome position (GRCh38, 1-based): chr1:196,742,003, A>G. VCF-style: chr1-196742003-A-G. GRCh37 (hg19) VCF-style: chr1-196711133-A-G.
Other names: short protein forms N1029D.
Identifiers: ClinVar variation 3611072 (VCV003611072.2).
Genomic context (GRCh38, chr1:196,742,003, plus strand): 5'-AAGGCGGGTGAGCAAGTGACTTACACTTGTGCAACATATTACAAAATGGATGGAGCCAGT[A>G]ATGTAACATGCATTAATAGCAGATGGACAGGAAGGCCAACATGCAGAGGTACTTTGGTGA-3'
Protein context (NP_000177.2, residues 1019-1039): ATYYKMDGAS[Asn1029Asp]VTCINSRWTG